The following is an entry in ClinVar:

NM_016507.4(CDK12):c.4249G>A (p.Gly1417Arg)

Gene: CDK12 (cyclin dependent kinase 12; plus strand). Cytogenetic location: 17q12.
Variant type: single nucleotide variant.
Coding change: c.4249G>A on transcript NM_016507.4 (MANE Select); coding-DNA position 4249, G replaced by A.
Protein change: p.Gly1417Arg; replaces glycine 1417 with arginine.
Molecular consequence: missense variant.
Genome position (GRCh38, 1-based): chr17:39,531,092, G>A. VCF-style: chr17-39531092-G-A. GRCh37 (hg19) VCF-style: chr17-37687345-G-A.
Other names: c.4222G>A, p.Gly1408Arg (NM_015083.4); short protein forms G1408R, G1417R.
Identifiers: ClinVar variation 3830378 (VCV003830378.1).
Genomic context (GRCh38, chr17:39,531,092, plus strand): 5'-TTTCCAGGGGACCAGGACCTCCGTTTTGCCAGGGTCCCCTTAGCGTTACACCCGGTGGTC[G>A]GGCAACCATTCCTGAAGGCTGAGGGAAGCAGCAATTCTGTGGTACATGCAGAGACCAAAT-3'
Protein context (NP_057591.2, residues 1407-1427): RVPLALHPVV[Gly1417Arg]QPFLKAEGSS

ClinVar aggregate classification (germline): Uncertain significance (1 of 4 stars; one submission).

gnomAD v4.1: 11 of 1,593,660 alleles (0.00069%); highest among the groups gnomAD compares: East Asian, 0.0022%; no homozygotes.

Submission:

Ambry Genetics
Classification: Uncertain significance. Last evaluated: 2024-12-20. Review status: criteria provided, single submitter. Criteria: Ambry Variant Classification Scheme 2023. Collection method: clinical testing. Allele origin: germline.
Comment: The p.G1417R variant (also known as c.4249G>A), located in coding exon 14 of the CDK12 gene, results from a G to A substitution at nucleotide position 4249. The glycine at codon 1417 is replaced by arginine, an amino acid with dissimilar properties. This amino acid position is conserved. In addition, this alteration is predicted to be tolerated by in silico analysis. Based on the available evidence, the clinical significance of this variant remains unclear.